The following is an entry in ClinVar:

ClinVar aggregate classification (germline): Likely pathogenic (1 of 4 stars; one submission).

Conditions:
Cornelia de Lange syndrome 3 (CDLS3). Also called: SMC3-Related Cornelia de Lange Syndrome; CORNELIA DE LANGE SYNDROME 3 WITH OR WITHOUT MIDLINE BRAIN DEFECTS. Identifiers: Orphanet 199, MedGen C1853099, MONDO:0012555, OMIM 610759.

Submission:

Labcorp Genetics (formerly Invitae), Labcorp
Classification: Likely pathogenic for Cornelia de Lange syndrome 3. Last evaluated: 2018-12-31. Review status: criteria provided, single submitter. Criteria: Invitae Variant Classification Sherloc (09022015). Collection method: clinical testing. Allele origin: germline.
Comment: This sequence change replaces leucine with proline at codon 642 of the SMC3 protein (p.Leu642Pro). The leucine residue is highly conserved and there is a moderate physicochemical difference between leucine and proline. In summary, the currently available evidence indicates that the variant is pathogenic, but additional data are needed to prove that conclusively. Therefore, this variant has been classified as Likely Pathogenic. Algorithms developed to predict the effect of missense changes on protein structure and function are either unavailable or do not agree on the potential impact of this missense change (SIFT: "Tolerated"; PolyPhen-2: "Probably Damaging"; Align-GVGD: "Class C0"). This variant is not present in population databases (ExAC no frequency).

NM_005445.4(SMC3):c.1925T>C (p.Leu642Pro)

Gene: SMC3 (structural maintenance of chromosomes 3; plus strand). Cytogenetic location: 10q25.2.
Variant type: single nucleotide variant.
Coding change: c.1925T>C on transcript NM_005445.4 (MANE Select); coding-DNA position 1925, T replaced by C.
Protein change: p.Leu642Pro; replaces leucine 642 with proline.
Molecular consequence: missense variant.
Genome position (GRCh38, 1-based): chr10:110,593,185, T>C. VCF-style: chr10-110593185-T-C. GRCh37 (hg19) VCF-style: chr10-112352943-T-C.
Other names: short protein forms L642P.
Identifiers: ClinVar variation 653982 (VCV000653982.9), dbSNP rs1590563617, ClinGen allele CA378390520.